The following is an entry in ClinVar:

NM_022081.6(HPS4):c.1693_1694del (p.Ser565fs)

Gene: HPS4 (HPS4 biogenesis of lysosomal organelles complex 3 subunit 2; minus strand). Cytogenetic location: 22q12.1.
Variant type: Deletion.
Coding change: c.1693_1694del on transcript NM_022081.6 (MANE Select); coding-DNA positions 1693 to 1694, 2 bases deleted (AG; older notation c.1693_1694delAG).
Protein change: p.Ser565fs; shifts the reading frame from serine 565.
Molecular consequence: frameshift variant. On other transcripts: non-coding transcript variant (8).
Genome position (GRCh38, 1-based): chr22:26,463,936-26,463,937, CT deleted on the plus strand (AG on the coding strand, the reverse complement: HPS4 is on the minus strand). VCF-style (leftmost placement, unchanged base first): chr22-26463935-GCT-G. GRCh37 (hg19) VCF-style: chr22-26859901-GCT-G.
Other names: c.1693_1694del, p.Ser565fs (NM_001349905.1, NM_001410832.1, NM_001349896.1 and 5 more transcripts); c.1678_1679del, p.Ser560fs (NM_152841.2); c.1747_1748del, p.Ser583fs (NM_001349900.2, NM_001349901.1); short protein forms S560fs, S565fs, S583fs.
Identifiers: ClinVar variation 4077105 (VCV004077105.1).
Genomic context (GRCh38, chr22:26,463,935, plus strand): 5'-CAGAGGCCGCAGAGGGGCAGGAGAAGGTCTGAGGACACTCACCACTTCCTCTATGGCTGC[GCT>G]GTCTCCCAGCAGCGGCTCCTCAGCCAGCAGGGACAGCACCAGCCCTTTGACGCAGTGAGT-3'

ClinVar aggregate classification (germline): Pathogenic (1 of 4 stars; one submission).

Conditions:
Hermansky-Pudlak syndrome 4 (HPS4). Identifiers: Orphanet 231500, Orphanet 79430, MedGen C3484357, MONDO:0013556, OMIM 614073.

Submission:

Laboratory of Genetic Epidemiology, Research Centre for Medical Genetics
Classification: Pathogenic for Hermansky-Pudlak syndrome 4. Last evaluated: 2025-01-01. Review status: criteria provided, single submitter. Criteria: ACMG Guidelines, 2015. Collection method: clinical testing. Allele origin: biparental. Inheritance: Autosomal recessive inheritance. Affected: yes. Observed: 1 homozygote.
Comment: This variant has not been previously reported in the literature and is not listed in gnomAD v3.1.2. Taken together, the variant meets the following ACMG/AMP criteria and can be classified as pathogenic with PM2, PVS1, PM3, PP4 criteria.

Literature cited by the submitters: PubMed 41428507.